The following is an entry in ClinVar:

ClinVar aggregate classification (germline): Uncertain significance (1 of 4 stars; one submission).

Conditions:
Recurrent Neisseria infections due to factor D deficiency. Also called: FACTOR D DEFICIENCY. Identifiers: Orphanet 169467, MedGen C0398764, MONDO:0013487, OMIM 613912.

Submission:

Neuberg Centre For Genomic Medicine, NCGM
Classification: Uncertain significance for Recurrent Neisseria infections due to factor D deficiency. Last evaluated: 2023-06-02. Review status: criteria provided, single submitter. Criteria: ACMG Guidelines, 2015. Collection method: clinical testing. Allele origin: germline. Inheritance: Autosomal recessive inheritance. Affected: yes.
Comment: The observed missense c.155G>A(p.Gly52Asp) variant in CFD gene has not been reported previously as a pathogenic variant nor as a benign variant, to our knowledge. The p.Gly52Asp variant is absent in gnomAD Exomes database. This variant has not been submitted to the ClinVar database. Multiple lines of computational evidence (Polyphen - probably damaging , SIFT - damaging and MutationTaster - disease causing) predict a damaging effect on protein structure and function for this variant. The amino acid change p.Gly52Asp in CFD is predicted as conserved by GERP++ and PhyloP across 100 vertebrates. The amino acid Gly at position 52 is changed to a Asp changing protein sequence and it might alter its composition and physico-chemical properties. For these reasons, this variant has been classified as Uncertain Significance (VUS).

NM_001928.4(CFD):c.155G>A (p.Gly52Asp)

Gene: CFD (complement factor D; plus strand). Cytogenetic location: 19p13.3.
Variant type: single nucleotide variant.
Coding change: c.155G>A on transcript NM_001928.4 (MANE Select); coding-DNA position 155, G replaced by A.
Protein change: p.Gly52Asp; replaces glycine 52 with aspartic acid.
Molecular consequence: missense variant.
Genome position (GRCh38, 1-based): chr19:860,716, G>A. VCF-style: chr19-860716-G-A. GRCh37 (hg19) VCF-style: chr19-860716-G-A.
Other names: c.176G>A, p.Gly59Asp (NM_001317335.2); short protein forms G52D, G59D.
Identifiers: ClinVar variation 3362284 (VCV003362284.3).
Genomic context (GRCh38, chr19:860,716, plus strand): 5'-CCGAGGCGCACGCGCGGCCCTACATGGCGTCGGTGCAGCTGAACGGCGCGCACCTGTGCG[G>A]CGGCGTCCTGGTGGCGGAGCAGTGGGTGCTGAGCGCGGCGCACTGCCTGGAGGACGCGTG-3'
Protein context (NP_001919.2, residues 42-62): SVQLNGAHLC[Gly52Asp]GVLVAEQWVL